The following is an entry in ClinVar:

NM_020921.4(NIN):c.399G>A (p.Ala133=)

Gene: NIN (ninein; minus strand). Cytogenetic location: 14q22.1.
Variant type: single nucleotide variant.
Coding change: c.399G>A on transcript NM_020921.4 (MANE Select); coding-DNA position 399, G replaced by A.
Protein change: p.Ala133=; no amino-acid change (alanine 133 retained).
Molecular consequence: synonymous variant.
Genome position (GRCh38, 1-based): chr14:50,792,748, C>T on the plus strand (G>A on the coding strand, the complement: NIN is on the minus strand). VCF-style: chr14-50792748-C-T. GRCh37 (hg19) VCF-style: chr14-51259466-C-T.
Other names: c.399G>A, p.Ala133= (NM_016350.5, NM_182944.3, NM_182946.2).
Identifiers: ClinVar variation 738222 (VCV000738222.11), dbSNP rs372665883, ClinGen allele CA7182507.

ClinVar aggregate classification (germline): Benign. Review status: criteria provided, single submitter (1 of 4 stars). 2 submissions from 2 submitters: Benign (1). 1 of the submissions does not count toward it. Last evaluated 2026-01-22.

Conditions:
NIN-related disorder. Also called: NIN-related condition.

Allele frequency attached by ClinVar (database versions not stated): gnomAD 0.00011 and 0.00016; gnomAD exomes 0.00011 and 0.00038; TOPMed 0.00026; ExAC 0.00030; 1000 Genomes Project 30x 0.00031; 1000 Genomes Project 0.00040.
gnomAD v4.1: 196 of 1,614,176 alleles (0.012%); highest among the groups gnomAD compares: East Asian, 0.21%; 2 homozygotes.

Submissions (2):

Labcorp Genetics (formerly Invitae), Labcorp
Classification: Benign. Last evaluated: 2026-01-22. Review status: criteria provided, single submitter. Criteria: Invitae Variant Classification Sherloc (09022015). Collection method: clinical testing. Allele origin: germline.

PreventionGenetics, part of Exact Sciences
Classification: Likely benign for NIN-related condition. Last evaluated: 2019-06-27. Review status: no assertion criteria provided. Collection method: clinical testing. Allele origin: germline. Not counted in ClinVar's aggregate classification.
Comment: This variant is classified as likely benign based on ACMG/AMP sequence variant interpretation guidelines (Richards et al. 2015 PMID: 25741868, with internal and published modifications).